The following is an entry in ClinVar:

NM_001374736.1(DST):c.19415A>G (p.Lys6472Arg)

Gene: DST (dystonin; minus strand). Cytogenetic location: 6p12.1.
Variant type: single nucleotide variant.
Coding change: c.19415A>G on transcript NM_001374736.1 (MANE Select); coding-DNA position 19415, A replaced by G.
Protein change: p.Lys6472Arg; replaces lysine 6472 with arginine.
Molecular consequence: missense variant.
Genome position (GRCh38, 1-based): chr6:56,506,492, T>C on the plus strand (A>G on the coding strand, the complement: DST is on the minus strand). VCF-style: chr6-56506492-T-C. GRCh37 (hg19) VCF-style: chr6-56371290-T-C.
Other names: c.13058A>G, p.Lys4353Arg (NM_001144769.5); c.12644A>G, p.Lys4215Arg (NM_001144770.2); c.19415A>G, p.Lys6472Arg (NM_001374722.1); c.18455A>G, p.Lys6152Arg (NM_001374729.1); c.12197A>G, p.Lys4066Arg (NM_001374730.1); c.19442A>G, p.Lys6481Arg (NM_001374734.1); c.12524A>G, p.Lys4175Arg (NM_001386100.1, NM_183380.4); c.11546A>G, p.Lys3849Arg (NM_015548.5); short protein forms K6152R, K6472R, K3849R, K4066R, K4215R, K6481R, K4175R, K4353R.
Identifiers: ClinVar variation 1418359 (VCV001418359.6), dbSNP rs904996327, ClinGen allele CA139195000.

ClinVar aggregate classification (germline): Conflicting classifications of pathogenicity. Review status: criteria provided, conflicting classifications (1 of 4 stars). 3 submissions from 3 submitters: Uncertain significance (2); Likely benign (1). Last evaluated 2021-11-12.

Conditions:
Inborn genetic diseases. Identifiers: MedGen C0950123, MeSH D030342.
Hereditary sensory and autonomic neuropathy type 6. Also called: Neuropathy, hereditary sensory and autonomic, type VI; HSAN VI. Identifiers: Orphanet 314381, MedGen C3539003, MONDO:0013839, OMIM 614653.
Epidermolysis bullosa simplex 3, localized or generalized intermediate, with BP230 deficiency (EBS3). Also called: Epidermolysis bullosa simplex, autosomal recessive 2; Epidermolysis bullosa simplex due to BP230 deficiency. Identifiers: Orphanet 412181, MedGen C3809470, MONDO:0014180, OMIM 615425.

Allele frequency attached by ClinVar (database versions not stated): gnomAD exomes below 0.00001 and 0.00002; gnomAD 0.00001 and 0.00002; TOPMed 0.00002; 1000 Genomes Project 30x 0.00016.
gnomAD v4.1: 35 of 1,613,264 alleles (0.0022%); highest among the groups gnomAD compares: Non-Finnish European, 0.0029%; no homozygotes.

Submissions (3):

Labcorp Genetics (formerly Invitae), Labcorp
Classification: Uncertain significance for Epidermolysis bullosa simplex 3, localized or generalized intermediate, with BP230 deficiency; Hereditary sensory and autonomic neuropathy type 6. Last evaluated: 2021-11-12. Review status: criteria provided, single submitter. Criteria: Invitae Variant Classification Sherloc (09022015). Collection method: clinical testing. Allele origin: germline.
Comment: The DST gene has multiple clinically relevant transcripts. This variant occurs in alternate transcript NM_015548.4, and corresponds to NM_001723.5:c.*109025A>G in the primary transcript. This sequence change replaces lysine, which is basic and polar, with arginine, which is basic and polar, at codon 3849 of the DST protein (p.Lys3849Arg). This variant is present in population databases (no rsID available, gnomAD 0.0009%). This variant has not been reported in the literature in individuals affected with DST-related conditions. Experimental studies and prediction algorithms are not available or were not evaluated, and the functional significance of this variant is currently unknown. In summary, the available evidence is currently insufficient to determine the role of this variant in disease. Therefore, it has been classified as a Variant of Uncertain Significance.

Ambry Genetics
Classification: Likely benign for Inborn genetic diseases. Last evaluated: 2021-04-06. Review status: criteria provided, single submitter. Criteria: Ambry Variant Classification Scheme 2023. Collection method: clinical testing. Allele origin: germline.

Blueprint Genetics
Classification: Uncertain significance. Last evaluated: 2019-03-18. Review status: criteria provided, single submitter. Criteria: ACMG Guidelines, 2015. Collection method: clinical testing. Allele origin: germline.